The following is an entry in ClinVar:

NM_001394062.1(MACF1):c.20257del (p.Arg6753fs)

Gene: MACF1 (microtubule actin crosslinking factor 1; plus strand). Cytogenetic location: 1p34.3.
Variant type: Deletion.
Coding change: c.20257del on transcript NM_001394062.1 (MANE Select); coding-DNA position 20257, one base deleted (C; older notation c.20257delC).
Protein change: p.Arg6753fs; shifts the reading frame from arginine 6753.
Molecular consequence: frameshift variant.
Genome position (GRCh38, 1-based): chr1:39,448,762, C deleted. VCF-style (leftmost placement, unchanged base first): chr1-39448761-GC-G. GRCh37 (hg19) VCF-style: chr1-39914433-GC-G.
Other names: c.8335del, p.Arg2779fs (NM_001397473.1); c.14080del, p.Arg4694fs (NM_012090.5); short protein forms R2779fs, R4694fs, R6753fs.
Identifiers: ClinVar variation 3901738 (VCV003901738.1).

ClinVar aggregate classification (germline): Uncertain significance (1 of 4 stars; one submission).

Submission:

GeneDx
Classification: Uncertain significance. Last evaluated: 2024-12-07. Review status: criteria provided, single submitter. Criteria: GeneDx Variant Classification Process June 2021. Collection method: clinical testing. Allele origin: germline. Affected: yes.
Comment: Not observed at significant frequency in large population cohorts (gnomAD); Frameshift variant predicted to result in protein truncation or nonsense mediated decay in a gene or region of a gene for which loss of function is not a well-established mechanism of disease; Has not been previously published as pathogenic or benign to our knowledge